The following is an entry in ClinVar:

NM_001253852.3(AP4B1):c.215T>C (p.Met72Thr)

Gene: AP4B1 (adaptor related protein complex 4 subunit beta 1; minus strand). Cytogenetic location: 1p13.2.
Variant type: single nucleotide variant.
Coding change: c.215T>C on transcript NM_001253852.3 (MANE Select); coding-DNA position 215, T replaced by C.
Protein change: p.Met72Thr; replaces methionine 72 with threonine.
Molecular consequence: missense variant. On other transcripts: intron variant (2).
Genome position (GRCh38, 1-based): chr1:113,902,761, A>G on the plus strand (T>C on the coding strand, the complement: AP4B1 is on the minus strand). VCF-style: chr1-113902761-A-G. GRCh37 (hg19) VCF-style: chr1-114445383-A-G.
Other names: c.215T>C, p.Met72Thr (NM_006594.5); c.-56-27T>C (NM_001253853.3); c.113+1844T>C (NM_001308312.2); short protein forms M72T.
Identifiers: ClinVar variation 575639 (VCV000575639.6), dbSNP rs566369623, ClinGen allele CA1016162.
Genomic context (GRCh38, chr1:113,902,761, plus strand): 5'-TTGCACAGCGTATTGATGGCCAGGAGAGCCAGATCTGGTTTCAGGGGAGCATATGTGCAC[A>G]TGTACAGATAAACCAACTTCTTCTGGACAATATCTACAGTGGCACTGGCCTTCACCATTT-3'
Protein context (NP_001240781.1, residues 62-82): IVQKKLVYLY[Met72Thr]CTYAPLKPDL

ClinVar aggregate classification (germline): Uncertain significance (1 of 4 stars; one submission).

Conditions:
Hereditary spastic paraplegia 47. Also called: Spastic paraplegia 47, autosomal recessive; adaptor protein 4 (AP-4) deficiency syndrome; CEREBRAL PALSY, SPASTIC QUADRIPLEGIC, 5. Identifiers: Orphanet 280763, MedGen C3279738, MONDO:0013551, OMIM 614066.

Allele frequency attached by ClinVar (database versions not stated): gnomAD 0.00001 and 0.00002; ExAC 0.00002; TOPMed 0.00004; 1000 Genomes Project 30x 0.00047; 1000 Genomes Project 0.00060.
gnomAD v4.1: 17 of 1,614,238 alleles (0.0011%); highest among the groups gnomAD compares: East Asian, 0.031%; no homozygotes.

Submission:

Labcorp Genetics (formerly Invitae), Labcorp
Classification: Uncertain significance for Hereditary spastic paraplegia 47. Last evaluated: 2022-06-04. Review status: criteria provided, single submitter. Criteria: Invitae Variant Classification Sherloc (09022015). Collection method: clinical testing. Allele origin: germline.
Comment: This sequence change replaces methionine, which is neutral and non-polar, with threonine, which is neutral and polar, at codon 72 of the AP4B1 protein (p.Met72Thr). This variant is present in population databases (rs566369623, gnomAD 0.03%). This variant has not been reported in the literature in individuals affected with AP4B1-related conditions. ClinVar contains an entry for this variant (Variation ID: 575639). Algorithms developed to predict the effect of missense changes on protein structure and function are either unavailable or do not agree on the potential impact of this missense change (SIFT: "Deleterious"; PolyPhen-2: "Benign"; Align-GVGD: "Class C0"). In summary, the available evidence is currently insufficient to determine the role of this variant in disease. Therefore, it has been classified as a Variant of Uncertain Significance.